The following is an entry in ClinVar:

NM_022114.4(PRDM16):c.2537G>A (p.Arg846Gln)

Gene: PRDM16 (PR/SET domain 16; plus strand). Cytogenetic location: 1p36.32.
Variant type: single nucleotide variant.
Coding change: c.2537G>A on transcript NM_022114.4 (MANE Select); coding-DNA position 2537, G replaced by A.
Protein change: p.Arg846Gln; replaces arginine 846 with glutamine.
Molecular consequence: missense variant.
Genome position (GRCh38, 1-based): chr1:3,412,734, G>A. VCF-style: chr1-3412734-G-A. GRCh37 (hg19) VCF-style: chr1-3329298-G-A.
Other names: c.2537G>A, p.Arg846Gln (NM_199454.3); short protein forms R846Q.
Identifiers: ClinVar variation 2194493 (VCV002194493.4), dbSNP rs758745187, ClinGen allele CA544504.

ClinVar aggregate classification (germline): Uncertain significance (1 of 4 stars; one submission).

Conditions:
Left ventricular noncompaction 8 (LVNC8). Identifiers: Orphanet 154, Orphanet 54260, MedGen C3809288, MONDO:0014152, OMIM 615373.

Allele frequency attached by ClinVar (database versions not stated): TOPMed 0.00002; gnomAD 0.00003; gnomAD exomes 0.00005; 1000 Genomes Project 30x 0.00016; ExAC 0.00019.
gnomAD v4.1: 76 of 1,506,174 alleles (0.005%); highest among the groups gnomAD compares: East Asian, 0.13%; no homozygotes.

Submission:

Labcorp Genetics (formerly Invitae), Labcorp
Classification: Uncertain significance for Left ventricular noncompaction 8. Last evaluated: 2023-08-30. Review status: criteria provided, single submitter. Criteria: Invitae Variant Classification Sherloc (09022015). Collection method: clinical testing. Allele origin: germline.
Comment: Algorithms developed to predict the effect of missense changes on protein structure and function output the following: SIFT: "Not Available"; PolyPhen-2: "Benign"; Align-GVGD: "Not Available". The glutamine amino acid residue is found in multiple mammalian species, which suggests that this missense change does not adversely affect protein function. In summary, the available evidence is currently insufficient to determine the role of this variant in disease. Therefore, it has been classified as a Variant of Uncertain Significance. This sequence change replaces arginine, which is basic and polar, with glutamine, which is neutral and polar, at codon 846 of the PRDM16 protein (p.Arg846Gln). This variant has not been reported in the literature in individuals affected with PRDM16-related conditions. ClinVar contains an entry for this variant (Variation ID: 2194493). The frequency data for this variant in the population databases is considered unreliable, as metrics indicate poor data quality at this position in the gnomAD database.